The following is an entry in ClinVar:

ClinVar aggregate classification (germline): Uncertain significance (1 of 4 stars; one submission).

Submission:

GeneDx
Classification: Uncertain significance. Last evaluated: 2026-03-22. Review status: criteria provided, single submitter. Criteria: GeneDx Variant Classification Process June 2021. Collection method: clinical testing. Allele origin: germline.
Comment: Not observed at significant frequency in large population cohorts (gnomAD); In silico analysis supports that this missense variant has a deleterious effect on protein structure/function; Has not been previously published as pathogenic or benign to our knowledge

NM_001037333.3(CYFIP2):c.2256A>T (p.Arg752Ser)

Gene: CYFIP2 (cytoplasmic FMR1 interacting protein 2; plus strand). Cytogenetic location: 5q33.3.
Variant type: single nucleotide variant.
Coding change: c.2256A>T on transcript NM_001037333.3 (MANE Select); coding-DNA position 2256, A replaced by T.
Protein change: p.Arg752Ser; replaces arginine 752 with serine.
Molecular consequence: missense variant.
Genome position (GRCh38, 1-based): chr5:157,330,841, A>T. VCF-style: chr5-157330841-A-T. GRCh37 (hg19) VCF-style: chr5-156757849-A-T.
Other names: c.2178A>T, p.Arg726Ser (NM_001291721.2); c.2331A>T, p.Arg777Ser (NM_001291722.2); c.2256A>T, p.Arg752Ser (NM_014376.4); short protein forms R726S, R752S, R777S.
Identifiers: ClinVar variation 5017212 (VCV005017212.1).
Genomic context (GRCh38, chr5:157,330,841, plus strand): 5'-TTATGGCGTCATCATTCCGTATCCACCGTCCAATCGCTATGAAACACTGCTGAAGCAGAG[A>T]CACGTCCAGGTATGGGGAGCAGAAGCCACCTTGGAGATGGAAGGGGCAGGAGAGAGCAGC-3'
Protein context (NP_001032410.1, residues 742-762): SNRYETLLKQ[Arg752Ser]HVQLLGRSID